The following is an entry in ClinVar:

ClinVar aggregate classification (germline): Uncertain significance (1 of 4 stars; one submission).

Conditions:
Cardiovascular phenotype. Identifiers: MedGen CN230736.

Submission:

Ambry Genetics
Classification: Uncertain significance for Cardiovascular phenotype. Last evaluated: 2026-07-02. Review status: criteria provided, single submitter. Criteria: Ambry Variant Classification Scheme 2023. Collection method: clinical testing. Allele origin: germline.
Comment: The p.S2760R variant (also known as c.8278A>C), located in coding exon 26 of the APOB gene, results from an A to C substitution at nucleotide position 8278. The serine at codon 2760 is replaced by arginine, an amino acid with dissimilar properties. This amino acid position is conserved. In addition, this alteration is predicted to be tolerated by in silico analysis. Based on the available evidence, the clinical significance of this variant remains unclear.

NM_000384.3(APOB):c.8278A>C (p.Ser2760Arg)

Gene: APOB (apolipoprotein B; minus strand). Cytogenetic location: 2p24.1.
Variant type: single nucleotide variant.
Coding change: c.8278A>C on transcript NM_000384.3 (MANE Select); coding-DNA position 8278, A replaced by C.
Protein change: p.Ser2760Arg; replaces serine 2760 with arginine.
Molecular consequence: missense variant.
Genome position (GRCh38, 1-based): chr2:21,008,590, T>G on the plus strand (A>C on the coding strand, the complement: APOB is on the minus strand). VCF-style: chr2-21008590-T-G. GRCh37 (hg19) VCF-style: chr2-21231462-T-G.
Other names: short protein forms S2760R.
Identifiers: ClinVar variation 5027431 (VCV005027431.1).